The following is an entry in ClinVar:

NM_001267550.2(TTN):c.77764C>T (p.Gln25922Ter)

Genes: TTN (titin; minus strand), TTN-AS1 (TTN antisense RNA 1; plus strand). Cytogenetic location: 2q31.2.
Variant type: single nucleotide variant.
Coding change: c.77764C>T on transcript NM_001267550.2 (MANE Select); coding-DNA position 77764, C replaced by T.
Protein change: p.Gln25922Ter; replaces glutamine 25922 with a stop codon.
Molecular consequence: nonsense.
Genome position (GRCh38, 1-based): chr2:178,568,368, G>A on the plus strand (C>T on the coding strand, the complement: TTN is on the minus strand). VCF-style: chr2-178568368-G-A. GRCh37 (hg19) VCF-style: chr2-179433095-G-A.
Other names: p.Q24281*:CAA>TAA; c.72841C>T, p.Gln24281Ter (NM_001256850.1); c.50569C>T, p.Gln16857Ter (NM_003319.4); c.70060C>T, p.Gln23354Ter (NM_133378.4); c.50944C>T, p.Gln16982Ter (NM_133432.3); c.51145C>T, p.Gln17049Ter (NM_133437.4); short protein forms Q24281*, Q25922*, Q16857*, Q23354*, Q16982*, Q17049*.
Identifiers: ClinVar variation 202408 (VCV000202408.4), dbSNP rs794729288, ClinGen allele CA309321.
Genomic context (GRCh38, chr2:178,568,368, plus strand): 5'-AAACAACATCCCATACTGTGGTGGTTGTATCTCTTTTCTGAACAATGTAGTTGGTGATTT[G>A]GCAGCCCCCTGTATATAATGGAGGGTTCCAAGATAATGTAATACTTTCAGCACTGACGTC-3'

ClinVar aggregate classification (germline): Conflicting classifications of pathogenicity. Review status: criteria provided, conflicting classifications (1 of 4 stars). 2 submissions from 2 submitters: Likely pathogenic (1); Uncertain significance (1).

Conditions:
Dilated cardiomyopathy 1G (CMD1G). Identifiers: Orphanet 154, MedGen C1858763, MONDO:0011400, OMIM 604145.

Submissions (2):

GeneDx
Classification: Uncertain significance. Review status: criteria provided, single submitter. Criteria: GeneDx Variant Classification (06012015). Collection method: clinical testing. Allele origin: germline. Affected: yes.
Comment: The Gln23354Stop mutation in the TTN gene has not been reported previously as a disease-causing mutation or as a benign polymorphism, to our knowledge. Gln23354Stop is predicted to cause loss of normal protein function either due to production of an abnormal, prematurely truncated protein, or by absence of protein product due to nonsense mediated mRNA decay. Other truncating TTN variants have been reported in approximately 3% of control alleles (Herman D et al., 2012). However, Gln23354Stop is located in the A-band region of titin, where the majority of truncating mutations associated with DCM have been reported (Herman D et al., 2012). The variant is found in TTN panel(s).

Juno Genomics, Hangzhou Juno Genomics, Inc
Classification: Likely pathogenic for Dilated cardiomyopathy 1G. Review status: criteria provided, single submitter. Criteria: ACMG Guidelines, 2015. Collection method: clinical testing. Allele origin: germline.
Comment: Absent from controls (or at extremely low frequency if recessive) in Genome Aggregation Database.;Null variant in a gene where loss of function (LOF) is a known mechanism of disease.